The following is an entry in ClinVar:

ClinVar aggregate classification (germline): Uncertain significance (1 of 4 stars; one submission).

Conditions:
Tuberous sclerosis 1 (TSC1). Identifiers: Orphanet 805, MedGen C1854465, MONDO:0008612, OMIM 191100.

Submission:

Labcorp Genetics (formerly Invitae), Labcorp
Classification: Uncertain significance for Tuberous sclerosis 1. Last evaluated: 2025-01-26. Review status: criteria provided, single submitter. Criteria: Invitae Variant Classification Sherloc (09022015). Collection method: clinical testing. Allele origin: germline.
Comment: This sequence change replaces histidine, which is basic and polar, with arginine, which is basic and polar, at codon 660 of the TSC1 protein (p.His660Arg). This variant is not present in population databases (gnomAD no frequency). This variant has not been reported in the literature in individuals affected with TSC1-related conditions. Invitae Evidence Modeling of protein sequence and biophysical properties (such as structural, functional, and spatial information, amino acid conservation, physicochemical variation, residue mobility, and thermodynamic stability) has been performed for this missense variant. However, the output from this modeling did not meet the statistical confidence thresholds required to predict the impact of this variant on TSC1 protein function. In summary, the available evidence is currently insufficient to determine the role of this variant in disease. Therefore, it has been classified as a Variant of Uncertain Significance.

NM_000368.5(TSC1):c.1979A>G (p.His660Arg)

Gene: TSC1 (TSC complex subunit 1; minus strand). Cytogenetic location: 9q34.13.
Variant type: single nucleotide variant.
Coding change: c.1979A>G on transcript NM_000368.5 (MANE Select); coding-DNA position 1979, A replaced by G.
Protein change: p.His660Arg; replaces histidine 660 with arginine.
Molecular consequence: missense variant. On other transcripts: non-coding transcript variant (5).
Genome position (GRCh38, 1-based): chr9:132,905,599, T>C on the plus strand (A>G on the coding strand, the complement: TSC1 is on the minus strand). VCF-style: chr9-132905599-T-C. GRCh37 (hg19) VCF-style: chr9-135780986-T-C.
Other names: c.1976A>G, p.His659Arg (NM_001162426.2, NM_001406597.1, NM_001406598.1 and 6 more transcripts); c.1826A>G, p.His609Arg (NM_001162427.2, NM_001406610.1); c.1616A>G, p.His539Arg (NM_001362177.2, NM_001406614.1, NM_001406615.1 and 5 more transcripts); c.1979A>G, p.His660Arg (NM_001406592.1, NM_001406593.1, NM_001406594.1 and 7 more transcripts); c.1823A>G, p.His608Arg (NM_001406611.1, NM_001406612.1, NM_001406613.1); c.926A>G, p.His309Arg (NM_001406629.1, NM_001406630.1); c.1613A>G, p.His538Arg (NM_001406620.1, NM_001406621.1, NM_001406622.1 and 2 more transcripts); c.1028A>G, p.His343Arg (NM_001406626.1); and 1 more; short protein forms H309R, H342R, H343R, H659R, H660R, H609R, H538R, H539R.
Identifiers: ClinVar variation 3671588 (VCV003671588.2).